The following is an entry in ClinVar:

ClinVar aggregate classification (germline): Pathogenic (1 of 4 stars; one submission).

Conditions:
Ataxia-telangiectasia syndrome (AT). Also called: Cerebello-oculocutaneous telangiectasia; Immunodeficiency with ataxia telangiectasia; AT, COMPLEMENTATION GROUP C; Ataxia-telangiectasia, complementation group E; LOUIS-BAR SYNDROME; ATAXIA-TELANGIECTASIA, COMPLEMENTATION GROUP A. Identifiers: Orphanet 100, MedGen C0004135, MONDO:0008840, OMIM 208900.

Submission:

Labcorp Genetics (formerly Invitae), Labcorp
Classification: Pathogenic for Ataxia-telangiectasia syndrome. Last evaluated: 2021-03-15. Review status: criteria provided, single submitter. Criteria: Invitae Variant Classification Sherloc (09022015). Collection method: clinical testing. Allele origin: germline.
Comment: For these reasons, this variant has been classified as Pathogenic. This variant has not been reported in the literature in individuals with ATM-related conditions. This variant is not present in population databases (ExAC no frequency). This sequence change creates a premature translational stop signal (p.Thr1048Leufs*16) in the ATM gene. It is expected to result in an absent or disrupted protein product. Loss-of-function variants in ATM are known to be pathogenic (PMID: 23807571, 25614872).

Literature cited by the submitters: PubMed 23807571; PubMed 25614872.

NM_000051.4(ATM):c.3142del (p.Thr1048fs)

Gene: ATM (ATM serine/threonine kinase; plus strand). Cytogenetic location: 11q22.3.
Variant type: Deletion.
Coding change: c.3142del on transcript NM_000051.4 (MANE Select); coding-DNA position 3142, one base deleted (A; older notation c.3142delA).
Protein change: p.Thr1048fs; shifts the reading frame from threonine 1048.
Molecular consequence: frameshift variant.
Genome position (GRCh38, 1-based): chr11:108,272,596, A deleted; the last of 4 consecutive A bases (chr11:108,272,593-108,272,596); deleting any one gives the same sequence. VCF-style (leftmost placement, unchanged base first): chr11-108272592-TA-T. GRCh37 (hg19) VCF-style: chr11-108143319-TA-T.
Other names: c.3142del, p.Thr1048fs (NM_001351834.2); short protein forms T1048fs.
Identifiers: ClinVar variation 1372349 (VCV001372349.6), dbSNP rs2135566568, ClinGen allele CA2573146640.
Genomic context (GRCh38, chr11:108,272,592, plus strand): 5'-GCATCTAACAAAGGAGAGGAAATATATATTCTCTGTAAGAATGGCCCTAGTAAATTGCCT[TA>T]AAACTTTGCTTGAGGTGAGTTTTTGCATTTTTTTAGTAAGATCTCCATTGAAAATTTTAA-3'